The following is an entry in ClinVar:

NM_133433.4(NIPBL):c.2612G>A (p.Arg871Lys)

Gene: NIPBL (NIPBL cohesin loading factor; plus strand). Cytogenetic location: 5p13.2.
Variant type: single nucleotide variant.
Coding change: c.2612G>A on transcript NM_133433.4 (MANE Select); coding-DNA position 2612, G replaced by A.
Protein change: p.Arg871Lys; replaces arginine 871 with lysine.
Molecular consequence: missense variant.
Genome position (GRCh38, 1-based): chr5:36,985,792, G>A. VCF-style: chr5-36985792-G-A. GRCh37 (hg19) VCF-style: chr5-36985894-G-A.
Other names: c.2612G>A, p.Arg871Lys (NM_015384.5); short protein forms R871K.
Identifiers: ClinVar variation 3592264 (VCV003592264.2).
Genomic context (GRCh38, chr5:36,985,792, plus strand): 5'-GAAATGAACATGGCATTAAATCTGATAGTTCAAAAACTGATAAACTAGAACGAAAACACA[G>A]GCATGAATCAGGGGACTCAAGGGAAAGACCATCTTCTGGGGAACAAAAATCAAGACCTGA-3'
Protein context (NP_597677.2, residues 861-881): SKTDKLERKH[Arg871Lys]HESGDSRERP

ClinVar aggregate classification (germline): Uncertain significance. Review status: criteria provided, multiple submitters, no conflicts (2 of 4 stars). 2 submissions from 2 submitters: Uncertain significance (2). Last evaluated 2025-05-12.

Conditions:
Cornelia de Lange syndrome 1 (CDLS1). Also called: TYPUS DEGENERATIVUS AMSTELODAMENSIS; Brachmann de Lange syndrome; NIPBL-Related Cornelia de Lange Syndrome. Identifiers: Orphanet 199, MedGen C4551851, MONDO:0007387, OMIM 122470.

gnomAD v4.1: 1 of 1,613,870 alleles (0.000062%); highest among the groups gnomAD compares: Admixed American, 0.0017%; no homozygotes.

Submissions (2):

Labcorp Genetics (formerly Invitae), Labcorp
Classification: Uncertain significance for Cornelia de Lange syndrome 1. Last evaluated: 2025-05-12. Review status: criteria provided, single submitter. Criteria: Invitae Variant Classification Sherloc (09022015). Collection method: clinical testing. Allele origin: germline.
Comment: This sequence change replaces arginine, which is basic and polar, with lysine, which is basic and polar, at codon 871 of the NIPBL protein (p.Arg871Lys). This variant is not present in population databases (gnomAD no frequency). This variant has not been reported in the literature in individuals affected with NIPBL-related conditions. ClinVar contains an entry for this variant (Variation ID: 3592264). Invitae Evidence Modeling of protein sequence and biophysical properties (such as structural, functional, and spatial information, amino acid conservation, physicochemical variation, residue mobility, and thermodynamic stability) has been performed for this missense variant. However, the output from this modeling did not meet the statistical confidence thresholds required to predict the impact of this variant on NIPBL protein function. In summary, the available evidence is currently insufficient to determine the role of this variant in disease. Therefore, it has been classified as a Variant of Uncertain Significance.

Fulgent Genetics
Classification: Uncertain significance for Cornelia de Lange syndrome 1. Last evaluated: 2024-03-07. Review status: criteria provided, single submitter. Criteria: ACMG Guidelines, 2015. Collection method: clinical testing. Allele origin: germline.